The following is an entry in ClinVar:

NM_032119.4(ADGRV1):c.2560G>A (p.Glu854Lys)

Gene: ADGRV1 (adhesion G protein-coupled receptor V1; plus strand). Cytogenetic location: 5q14.3.
Variant type: single nucleotide variant.
Coding change: c.2560G>A on transcript NM_032119.4 (MANE Select); coding-DNA position 2560, G replaced by A.
Protein change: p.Glu854Lys; replaces glutamic acid 854 with lysine.
Molecular consequence: missense variant. On other transcripts: non-coding transcript variant (1).
Genome position (GRCh38, 1-based): chr5:90,643,809, G>A. VCF-style: chr5-90643809-G-A. GRCh37 (hg19) VCF-style: chr5-89939626-G-A.
Other names: c.2560G>A (NM_032119.3); short protein forms E854K.
Identifiers: ClinVar variation 2003600 (VCV002003600.5), dbSNP rs1767323235, ClinGen allele CA360388941.

ClinVar aggregate classification (germline): Uncertain significance. Review status: criteria provided, multiple submitters, no conflicts (2 of 4 stars). 2 submissions from 2 submitters: Uncertain significance (2). Last evaluated 2025-10-01.

Conditions:
Inborn genetic diseases. Identifiers: MedGen C0950123, MeSH D030342.

Submissions (2):

Ambry Genetics
Classification: Uncertain significance for Inborn genetic diseases. Last evaluated: 2025-10-01. Review status: criteria provided, single submitter. Criteria: Ambry Variant Classification Scheme 2023. Collection method: clinical testing. Allele origin: germline.

Labcorp Genetics (formerly Invitae), Labcorp
Classification: Uncertain significance. Last evaluated: 2022-06-14. Review status: criteria provided, single submitter. Criteria: Invitae Variant Classification Sherloc (09022015). Collection method: clinical testing. Allele origin: germline.
Comment: This sequence change replaces glutamic acid, which is acidic and polar, with lysine, which is basic and polar, at codon 854 of the ADGRV1 protein (p.Glu854Lys). This variant is not present in population databases (gnomAD no frequency). This variant has not been reported in the literature in individuals affected with ADGRV1-related conditions. Algorithms developed to predict the effect of missense changes on protein structure and function are either unavailable or do not agree on the potential impact of this missense change (SIFT: "Deleterious"; PolyPhen-2: "Possibly Damaging"; Align-GVGD: "Class C0"). In summary, the available evidence is currently insufficient to determine the role of this variant in disease. Therefore, it has been classified as a Variant of Uncertain Significance.